The following is an entry in ClinVar:

NM_000071.3(CBS):c.133C>T (p.Arg45Trp)

Gene: CBS (cystathionine beta-synthase; minus strand). Cytogenetic location: 21q22.3.
Variant type: single nucleotide variant.
Coding change: c.133C>T on transcript NM_000071.3 (MANE Select); coding-DNA position 133, C replaced by T.
Protein change: p.Arg45Trp; replaces arginine 45 with tryptophan.
Molecular consequence: missense variant.
Genome position (GRCh38, 1-based): chr21:43,072,061, G>A on the plus strand (C>T on the coding strand, the complement: CBS is on the minus strand). VCF-style: chr21-43072061-G-A. GRCh37 (hg19) VCF-style: chr21-44492171-G-A.
Other names: p.R45W:CGG>TGG; p.Arg45Trp; c.133C>T, p.Arg45Trp (NM_001178008.3, NM_001178009.3, NM_001320298.2); short protein forms R45W.
Identifiers: ClinVar variation 212871 (VCV000212871.61), dbSNP rs201372812, ClinGen allele CA323483.

ClinVar aggregate classification (germline): Conflicting classifications of pathogenicity. Review status: criteria provided, conflicting classifications (1 of 4 stars). 8 submissions from 8 submitters: Uncertain significance (1); Likely benign (6). 1 of the submissions does not count toward it. Last evaluated 2026-01-19.

Conditions:
Familial thoracic aortic aneurysm and aortic dissection (TAAD). Also called: Thoracic aortic aneurysms and dissections. Identifiers: Orphanet 91387, MedGen C4707243, MONDO:0019625.
Classic homocystinuria. Also called: HOMOCYSTINURIA WITH OR WITHOUT RESPONSE TO PYRIDOXINE; Homocystinuria due to Cystathionine Beta-Synthase Deficiency; Homocystinuria due to CBS deficiency; Cystathionine beta-synthase deficiency; CBS deficiency. Identifiers: Orphanet 394, MedGen C0751202, MONDO:0009352, OMIM 236200.
HYPERHOMOCYSTEINEMIA, THROMBOTIC, CBS-RELATED. Identifiers: MedGen C3150344, OMIM 236200.

Allele frequency attached by ClinVar (database versions not stated): gnomAD 0.00013; ESP Exome Variant Server 0.00023; gnomAD exomes 0.00066; ExAC 0.00070; 1000 Genomes Project 0.00180.

Submissions (8):

Labcorp Genetics (formerly Invitae), Labcorp
Classification: Likely benign for HYPERHOMOCYSTEINEMIA, THROMBOTIC, CBS-RELATED. Last evaluated: 2026-01-19. Review status: criteria provided, single submitter. Criteria: Invitae Variant Classification Sherloc (09022015). Collection method: clinical testing. Allele origin: germline.

Women's Health and Genetics/Laboratory Corporation of America, LabCorp
Classification: Likely benign. Last evaluated: 2025-09-30. Review status: criteria provided, single submitter. Criteria: LabCorp Variant Classification Summary - May 2015. Collection method: clinical testing. Allele origin: germline.
Comment: Variant summary: CBS c.133C>T (p.Arg45Trp) results in a non-conservative amino acid change in the encoded protein sequence. Algorithms developed to predict the effect of missense changes on protein structure and function all suggest that this variant is likely to be disruptive. The variant allele was found at a frequency of 0.00066 in 250626 control chromosomes, predominantly at a frequency of 0.0041 within the South Asian subpopulation in the gnomAD database. The observed variant frequency within South Asian control individuals in the gnomAD database exceeds the estimated maximal expected allele frequency for disease-causing variants in CBS. To our knowledge, no occurrence of c.133C>T in individuals affected with CBS-related conditions and no experimental evidence demonstrating its impact on protein function have been reported. ClinVar contains an entry for this variant (Variation ID: 212871). Based on the evidence outlined above, the variant was classified as likely benign.

Mayo Clinic Laboratories, Mayo Clinic
Classification: Likely benign. Last evaluated: 2025-07-16. Review status: criteria provided, single submitter. Criteria: ACMG Guidelines, 2015. Collection method: clinical testing. Allele origin: germline. Observed: 1 variant allele.
Comment: BS1, PP3

Blueprint Genetics
Classification: Likely benign. Last evaluated: 2024-10-11. Review status: criteria provided, single submitter. Criteria: ACMG Guidelines, 2015. Collection method: clinical testing. Allele origin: germline.

GeneDx
Classification: Likely benign. Last evaluated: 2020-04-28. Review status: criteria provided, single submitter. Criteria: GeneDx Variant Classification Process June 2021. Collection method: clinical testing. Allele origin: germline. Affected: yes.

CeGaT Center for Human Genetics Tuebingen
Classification: Uncertain significance. Last evaluated: 2019-11-01. Review status: criteria provided, single submitter. Criteria: CeGaT Center For Human Genetics Tuebingen Variant Classification Criteria Version 2. Collection method: clinical testing. Allele origin: germline. Affected: yes. Observed: 1 variant allele.

Ambry Genetics
Classification: Likely benign for Familial thoracic aortic aneurysm and aortic dissection. Last evaluated: 2019-03-22. Review status: criteria provided, single submitter. Criteria: Ambry Variant Classification Scheme 2023. Collection method: clinical testing. Allele origin: germline.

Natera, Inc.
Classification: Likely benign for Homocystinuria due to cystathionine beta-synthase deficiency. Last evaluated: 2019-12-29. Review status: no assertion criteria provided. Collection method: clinical testing. Allele origin: germline. Not counted in ClinVar's aggregate classification.